The following is an entry in ClinVar:

NM_002256.4(KISS1):c.158dup (p.Cys53fs)

Gene: KISS1 (KiSS-1 metastasis suppressor; minus strand). Cytogenetic location: 1q32.1.
Variant type: Duplication.
Coding change: c.158dup on transcript NM_002256.4 (MANE Select); coding-DNA position 158, one base duplicated (G; older notation c.158dupG).
Protein change: p.Cys53fs; shifts the reading frame from cysteine 53.
Molecular consequence: frameshift variant.
Genome position (GRCh38, 1-based): chr1:204,190,743, C duplicated on the plus strand (G on the coding strand, the reverse complement: KISS1 is on the minus strand). VCF-style (leftmost placement, unchanged base first): chr1-204190742-G-GC. GRCh37 (hg19) VCF-style: chr1-204159870-G-GC.
Other names: short protein forms C53fs.
Identifiers: ClinVar variation 4741771 (VCV004741771.1).

ClinVar aggregate classification (germline): Uncertain significance (1 of 4 stars; one submission).

Submission:

Labcorp Genetics (formerly Invitae), Labcorp
Classification: Uncertain significance. Last evaluated: 2025-06-10. Review status: criteria provided, single submitter. Criteria: Invitae Variant Classification Sherloc (09022015). Collection method: clinical testing. Allele origin: germline.
Comment: This sequence change is expected to alter the c-terminus of the KISS1 protein (p.Cys53Trpfs*114). While this is not anticipated to result in nonsense mediated decay, it is expected to disrupt the last 86 amino acid(s) of the KISS1 protein and extend the protein by 27 additional amino acid residues. This variant is not present in population databases (gnomAD no frequency). This variant has not been reported in the literature in individuals affected with KISS1-related conditions. Experimental studies and prediction algorithms are not available or were not evaluated, and the functional significance of this variant is currently unknown. In summary, the available evidence is currently insufficient to determine the role of this variant in disease. Therefore, it has been classified as a Variant of Uncertain Significance.